The following is an entry in ClinVar:

ClinVar aggregate classification (germline): Conflicting classifications of pathogenicity. Review status: criteria provided, conflicting classifications (1 of 4 stars). 8 submissions from 8 submitters: Uncertain significance (1); Benign (1); Likely benign (4). 2 of the submissions do not count toward it. Last evaluated 2026-04-01.

Conditions:
Leukodystrophy, hypomyelinating, 8, with or without oligodontia and/or hypogonadotropic hypogonadism. Also called: LEUKODYSTROPHY, HYPOMYELINATING, 8, WITH HYPODONTIA AND HYPOGONADOTROPIC HYPOGONADISM; Hypomyelinating leukodystrophy 8 with or without oligodontia and-or hypogonadotropic hypogonadism; Endosteal sclerosis-cerebellar hypoplasia syndrome. Identifiers: Orphanet 85186, Orphanet 88637, MedGen C3280644, MONDO:0013722, OMIM 614381.

Allele frequency attached by ClinVar (database versions not stated): gnomAD 0.00122; gnomAD exomes 0.00122; ExAC 0.00126; TOPMed 0.00126; ESP Exome Variant Server 0.00177.
gnomAD v4.1: 3,572 of 1,595,220 alleles (0.22%); highest among the groups gnomAD compares: Non-Finnish European, 0.28%; 6 homozygotes.

Submissions (8):

CeGaT Center for Human Genetics Tuebingen
Classification: Likely benign. Last evaluated: 2026-04-01. Review status: criteria provided, single submitter. Criteria: CeGaT Center For Human Genetics Tuebingen Variant Classification Criteria Version 2. Collection method: clinical testing. Allele origin: germline. Affected: yes. Observed: 5 variant alleles.
Comment: POLR3B: BP4, BS1

Labcorp Genetics (formerly Invitae), Labcorp
Classification: Likely benign. Last evaluated: 2026-01-05. Review status: criteria provided, single submitter. Criteria: Invitae Variant Classification Sherloc (09022015). Collection method: clinical testing. Allele origin: germline.

Mayo Clinic Laboratories, Mayo Clinic
Classification: Benign. Last evaluated: 2024-12-24. Review status: criteria provided, single submitter. Criteria: ACMG Guidelines, 2015. Collection method: clinical testing. Allele origin: germline. Observed: 3 variant alleles.
Comment: BS1, BS2, BP4, BP7

Blueprint Genetics
Classification: Likely benign. Last evaluated: 2024-11-25. Review status: criteria provided, single submitter. Criteria: ACMG Guidelines, 2015. Collection method: clinical testing. Allele origin: germline.

GeneDx
Classification: Likely benign. Last evaluated: 2020-09-29. Review status: criteria provided, single submitter. Criteria: GeneDx Variant Classification Process June 2021. Collection method: clinical testing. Allele origin: germline. Affected: yes.

Illumina Laboratory Services, Illumina
Classification: Uncertain significance for Leukodystrophy, hypomyelinating, 8, with or without oligodontia and/or hypogonadotropic hypogonadism. Last evaluated: 2018-01-12. Review status: criteria provided, single submitter. Criteria: ICSL Variant Classification Criteria 13 December 2019. Collection method: clinical testing. Allele origin: germline.

Clinical Genetics DNA and cytogenetics Diagnostics Lab, Erasmus MC, Erasmus Medical Center
Classification: Likely benign. Review status: no assertion criteria provided. Collection method: clinical testing. Allele origin: germline. Affected: yes. Study: VKGL Data-share Consensus. Not counted in ClinVar's aggregate classification.

Genome Diagnostics Laboratory, University Medical Center Utrecht
Classification: Likely benign. Review status: no assertion criteria provided. Collection method: clinical testing. Allele origin: germline. Affected: yes. Study: VKGL Data-share Consensus. Not counted in ClinVar's aggregate classification.

NM_018082.6(POLR3B):c.1873T>C (p.Leu625=)

Gene: POLR3B (RNA polymerase III subunit B; plus strand). Cytogenetic location: 12q23.3.
Variant type: single nucleotide variant.
Coding change: c.1873T>C on transcript NM_018082.6 (MANE Select); coding-DNA position 1873, T replaced by C.
Protein change: p.Leu625=; no amino-acid change (leucine 625 retained).
Molecular consequence: synonymous variant.
Genome position (GRCh38, 1-based): chr12:106,437,697, T>C. VCF-style: chr12-106437697-T-C. GRCh37 (hg19) VCF-style: chr12-106831475-T-C.
Other names: p.Leu625=; c.1699T>C, p.Leu567= (NM_001160708.2).
Identifiers: ClinVar variation 306938 (VCV000306938.47), dbSNP rs139376910, ClinGen allele CA6762060.